The following is an entry in ClinVar:

NM_018941.4(CLN8):c.835C>T (p.Gln279Ter)

Gene: CLN8 (CLN8 transmembrane ER and ERGIC protein; plus strand). Cytogenetic location: 8p23.3.
Variant type: single nucleotide variant.
Coding change: c.835C>T on transcript NM_018941.4 (MANE Select); coding-DNA position 835, C replaced by T.
Protein change: p.Gln279Ter; replaces glutamine 279 with a stop codon.
Molecular consequence: nonsense.
Genome position (GRCh38, 1-based): chr8:1,780,541, C>T. VCF-style: chr8-1780541-C-T. GRCh37 (hg19) VCF-style: chr8-1728707-C-T.
Other names: short protein forms Q279*.
Identifiers: ClinVar variation 2156146 (VCV002156146.2), dbSNP rs2486491551, ClinGen allele CA369954428.

ClinVar aggregate classification (germline): Conflicting classifications of pathogenicity. Review status: criteria provided, conflicting classifications (1 of 4 stars). 2 submissions from 2 submitters: Likely pathogenic (1); Uncertain significance (1). Last evaluated 2025-11-05.

Conditions:
Neuronal ceroid lipofuscinosis. Also called: Neuronal Ceroid Lipofuscinoses. Identifiers: Orphanet 216, Orphanet 79263, MedGen C0027877, MONDO:0016295. Disease mechanism: loss of function.
Neuronal ceroid lipofuscinosis 8 (CLN8). Also called: CLN8-Related Neuronal Ceroid-Lipofuscinosis. Identifiers: Orphanet 168491, Orphanet 228354, Orphanet 79264, MedGen C1838570, MONDO:0010830, OMIM 600143.

Submissions (2):

Natera, Inc.
Classification: Likely pathogenic for Neuronal ceroid lipofuscinosis 8. Last evaluated: 2025-11-05. Review status: criteria provided, single submitter. Criteria: Natera Variant Classification Schema (03/2026). Collection method: clinical testing. Allele origin: germline.
Comment: The c.835C>T variant in CLN8 is a nonsense variant predicted to introduce a stop codon at amino acid 279. This variant is expected to result in nonsense mediated decay, truncation, or a dysfunctional protein product. This variant is rare in the general population with a frequency below the threshold expected for the associated phenotype(s). Given the available evidence, this variant is classified as Likely Pathogenic.

Labcorp Genetics (formerly Invitae), Labcorp
Classification: Uncertain significance for Neuronal ceroid lipofuscinosis. Last evaluated: 2021-12-24. Review status: criteria provided, single submitter. Criteria: Invitae Variant Classification Sherloc (09022015). Collection method: clinical testing. Allele origin: germline.
Comment: This sequence change creates a premature translational stop signal (p.Gln279*) in the CLN8 gene. While this is not anticipated to result in nonsense mediated decay, it is expected to disrupt the last 8 amino acid(s) of the CLN8 protein. This variant is not present in population databases (gnomAD no frequency). This variant has not been reported in the literature in individuals affected with CLN8-related conditions. Algorithms developed to predict the effect of sequence changes on RNA splicing suggest that this variant may create or strengthen a splice site. In summary, the available evidence is currently insufficient to determine the role of this variant in disease. Therefore, it has been classified as a Variant of Uncertain Significance.